The following is an entry in ClinVar:

NM_004629.2(FANCG):c.594G>C (p.Gln198His)

Gene: FANCG (FA complementation group G; minus strand). Cytogenetic location: 9p13.3.
Variant type: single nucleotide variant.
Coding change: c.594G>C on transcript NM_004629.2 (MANE Select); coding-DNA position 594, G replaced by C.
Protein change: p.Gln198His; replaces glutamine 198 with histidine.
Molecular consequence: missense variant.
Genome position (GRCh38, 1-based): chr9:35,077,316, C>G on the plus strand (G>C on the coding strand, the complement: FANCG is on the minus strand). VCF-style: chr9-35077316-C-G. GRCh37 (hg19) VCF-style: chr9-35077313-C-G.
Other names: short protein forms Q198H.
Identifiers: ClinVar variation 3512867 (VCV003512867.1).

ClinVar aggregate classification (germline): Uncertain significance (1 of 4 stars; one submission).

Conditions:
Inborn genetic diseases. Identifiers: MedGen C0950123, MeSH D030342.

Submission:

Ambry Genetics
Classification: Uncertain significance for Inborn genetic diseases. Last evaluated: 2024-12-10. Review status: criteria provided, single submitter. Criteria: Ambry Variant Classification Scheme 2023. Collection method: clinical testing. Allele origin: germline.
Comment: The p.Q198H variant (also known as c.594G>C), located in coding exon 5 of the FANCG gene, results from a G to C substitution at nucleotide position 594. The glutamine at codon 198 is replaced by histidine, an amino acid with highly similar properties. This amino acid position is conserved. In addition, the in silico prediction for this alteration is inconclusive. Based on the available evidence, the clinical significance of this variant remains unclear.